The following is an entry in ClinVar:

ClinVar aggregate classification (germline): Likely benign. Review status: criteria provided, multiple submitters, no conflicts (2 of 4 stars). 4 submissions from 4 submitters: Likely benign (4). Last evaluated 2026-07-09.

Conditions:
Hereditary cancer-predisposing syndrome. Also called: Neoplastic Syndromes, Hereditary; Tumor predisposition; Hereditary Cancer Syndrome; Hereditary neoplastic syndrome. Identifiers: Orphanet 140162, MedGen C0027672, MeSH D009386, MONDO:0015356.
Gorlin syndrome. Also called: Basal cell nevus syndrome; Nevoid Basal Cell Carcinoma Syndrome. Identifiers: Orphanet 377, MedGen C0004779, MONDO:0007187.
PTCH1-related disorder. Also called: PTCH1-related disorders; PTCH1-related condition.

Allele frequency attached by ClinVar (database versions not stated): gnomAD exomes 0.00001 and 0.00002; ExAC 0.00003; TOPMed 0.00004.
gnomAD v4.1: 14 of 1,611,122 alleles (0.00087%); highest among the groups gnomAD compares: South Asian, 0.0077%; no homozygotes.

Submissions (4):

PreventionGenetics, part of Exact Sciences
Classification: Likely benign for PTCH1-related condition. Last evaluated: 2026-07-09. Review status: criteria provided, single submitter. Criteria: ACMG Guidelines, 2015. Collection method: clinical testing. Allele origin: germline.
Comment: This variant is classified as likely benign based on ACMG/AMP sequence variant interpretation guidelines (Richards et al. 2015 PMID: 25741868, with internal and published modifications).

Labcorp Genetics (formerly Invitae), Labcorp
Classification: Likely benign for Gorlin syndrome. Last evaluated: 2026-01-13. Review status: criteria provided, single submitter. Criteria: Invitae Variant Classification Sherloc (09022015). Collection method: clinical testing. Allele origin: germline.

Quest Diagnostics Nichols Institute San Juan Capistrano
Classification: Likely benign. Last evaluated: 2025-10-31. Review status: criteria provided, single submitter. Criteria: Quest Diagnostics criteria. Collection method: clinical testing. Allele origin: unknown.

Ambry Genetics
Classification: Likely benign for Hereditary cancer-predisposing syndrome. Last evaluated: 2019-09-20. Review status: criteria provided, single submitter. Criteria: Ambry Variant Classification Scheme 2023. Collection method: clinical testing. Allele origin: germline.

NM_000264.5(PTCH1):c.382C>T (p.Leu128=)

Gene: PTCH1 (patched 1; minus strand). Cytogenetic location: 9q22.32.
Variant type: single nucleotide variant.
Coding change: c.382C>T on transcript NM_000264.5 (MANE Select); coding-DNA position 382, C replaced by T.
Protein change: p.Leu128=; no amino-acid change (leucine 128 retained).
Molecular consequence: synonymous variant. On other transcripts: 5 prime UTR variant (4), non-coding transcript variant (1).
Genome position (GRCh38, 1-based): chr9:95,506,419, G>A on the plus strand (C>T on the coding strand, the complement: PTCH1 is on the minus strand). VCF-style: chr9-95506419-G-A. GRCh37 (hg19) VCF-style: chr9-98268701-G-A.
Other names: c.184C>T, p.Leu62= (NM_001083602.3, NM_001354919.2); c.379C>T, p.Leu127= (NM_001083603.3); c.-72C>T (NM_001083604.3, NM_001083605.3, NM_001083606.3 and 1 more transcripts); c.382C>T, p.Leu128= (NM_001354918.2); c.382C>T (NM_000264.4).
Identifiers: ClinVar variation 701391 (VCV000701391.15), dbSNP rs772674190, ClinGen allele CA5138974.